The following is an entry in ClinVar:

NM_001267550.2(TTN):c.66860G>A (p.Gly22287Glu)

Genes: TTN (titin; minus strand), TTN-AS1 (TTN antisense RNA 1; plus strand). Cytogenetic location: 2q31.2.
Variant type: single nucleotide variant.
Coding change: c.66860G>A on transcript NM_001267550.2 (MANE Select); coding-DNA position 66860, G replaced by A.
Protein change: p.Gly22287Glu; replaces glycine 22287 with glutamic acid.
Molecular consequence: missense variant.
Genome position (GRCh38, 1-based): chr2:178,580,519, C>T on the plus strand (G>A on the coding strand, the complement: TTN is on the minus strand). VCF-style: chr2-178580519-C-T. GRCh37 (hg19) VCF-style: chr2-179445246-C-T.
Other names: c.61937G>A, p.Gly20646Glu (NM_001256850.1); c.39665G>A, p.Gly13222Glu (NM_003319.4); c.59156G>A, p.Gly19719Glu (NM_133378.4); c.40040G>A, p.Gly13347Glu (NM_133432.3); c.40241G>A, p.Gly13414Glu (NM_133437.4); short protein forms G13222E, G13347E, G13414E, G19719E, G20646E, G22287E.
Identifiers: ClinVar variation 3234458 (VCV003234458.20), dbSNP rs2468932466, ClinGen allele CA349425688.

ClinVar aggregate classification (germline): Uncertain significance (1 of 4 stars; one submission).

Submission:

CeGaT Center for Human Genetics Tuebingen
Classification: Uncertain significance. Last evaluated: 2024-04-01. Review status: criteria provided, single submitter. Criteria: CeGaT Center For Human Genetics Tuebingen Variant Classification Criteria Version 2. Collection method: clinical testing. Allele origin: germline. Affected: yes. Observed: 1 variant allele.
Comment: TTN: PM2, PM3:Supporting, PP3, BP1